The following is an entry in ClinVar:

NM_000173.7(GP1BA):c.620T>C (p.Phe207Ser)

Gene: GP1BA (glycoprotein Ib platelet subunit alpha; plus strand). Cytogenetic location: 17p13.2.
Variant type: single nucleotide variant.
Coding change: c.620T>C on transcript NM_000173.7 (MANE Select); coding-DNA position 620, T replaced by C.
Protein change: p.Phe207Ser; replaces phenylalanine 207 with serine.
Molecular consequence: missense variant.
Genome position (GRCh38, 1-based): chr17:4,933,224, T>C. VCF-style: chr17-4933224-T-C. GRCh37 (hg19) VCF-style: chr17-4836519-T-C.
Other names: short protein forms F207S.
Identifiers: ClinVar variation 3339412 (VCV003339412.2).

ClinVar aggregate classification (germline): Conflicting classifications of pathogenicity. Review status: criteria provided, conflicting classifications (1 of 4 stars). 2 submissions from 2 submitters: Likely pathogenic (1); Uncertain significance (1). Last evaluated 2024-07-22.

Conditions:
GP1BA-related disorders.

Submissions (2):

Women's Health and Genetics/Laboratory Corporation of America, LabCorp
Classification: Uncertain significance. Last evaluated: 2024-07-22. Review status: criteria provided, single submitter. Criteria: LabCorp Variant Classification Summary - May 2015. Collection method: clinical testing. Allele origin: germline.
Comment: Variant summary: GP1BA c.620T>C (p.Phe207Ser) results in a non-conservative amino acid change in the encoded protein sequence. Four of five in-silico tools predict a damaging effect of the variant on protein function. The variant was absent in 249262 control chromosomes. The available data on variant occurrences in the general population are insufficient to allow any conclusion about variant significance. To our knowledge, no occurrence of c.620T>C in individuals affected with Bernard-Soulier Syndrome, Type A2, Autosomal Dominant and no experimental evidence demonstrating its impact on protein function have been reported. No submitters have cited clinical-significance assessments for this variant to ClinVar. Based on the evidence outlined above, the variant was classified as uncertain significance.

Blueprint Genetics
Classification: Likely pathogenic for GP1BA-related disorders. Last evaluated: 2024-04-05. Review status: criteria provided, single submitter. Criteria: ACMG Guidelines, 2015. Collection method: clinical testing. Allele origin: germline. Affected: yes. Observed: 3 variant alleles.